The following is an entry in ClinVar:

ClinVar aggregate classification (germline): Uncertain significance (1 of 4 stars; one submission).

Conditions:
Bardet-Biedl syndrome (BBS). Identifiers: Orphanet 110, MedGen C0752166, MONDO:0015229.
McKusick-Kaufman syndrome (MKKS). Also called: HYDROMETROCOLPOS SYNDROME; HYDROMETROCOLPOS, POSTAXIAL POLYDACTYLY, AND CONGENITAL HEART MALFORMATION. Identifiers: Orphanet 2473, MedGen C0948368, MONDO:0009367, OMIM 236700.

Allele frequency attached by ClinVar (database versions not stated): ExAC 0.00002.
gnomAD v4.1: 4 of 1,614,174 alleles (0.00025%); highest among the groups gnomAD compares: Non-Finnish European, 0.00034%; no homozygotes.

Submission:

Labcorp Genetics (formerly Invitae), Labcorp
Classification: Uncertain significance for McKusick-Kaufman syndrome; Bardet-Biedl syndrome. Last evaluated: 2022-02-23. Review status: criteria provided, single submitter. Criteria: Invitae Variant Classification Sherloc (09022015). Collection method: clinical testing. Allele origin: germline.
Comment: This variant has not been reported in the literature in individuals affected with MKKS-related conditions. This variant is present in population databases (rs764332400, gnomAD 0.002%). This sequence change replaces serine, which is neutral and polar, with cysteine, which is neutral and slightly polar, at codon 263 of the MKKS protein (p.Ser263Cys). Algorithms developed to predict the effect of missense changes on protein structure and function are either unavailable or do not agree on the potential impact of this missense change (SIFT: "Tolerated"; PolyPhen-2: "Possibly Damaging"; Align-GVGD: "Class C15"). In summary, the available evidence is currently insufficient to determine the role of this variant in disease. Therefore, it has been classified as a Variant of Uncertain Significance.

NM_170784.3(MKKS):c.787A>T (p.Ser263Cys)

Gene: MKKS (MKKS centrosomal shuttling protein; minus strand). Cytogenetic location: 20p12.2.
Variant type: single nucleotide variant.
Coding change: c.787A>T on transcript NM_170784.3 (MANE Select); coding-DNA position 787, A replaced by T.
Protein change: p.Ser263Cys; replaces serine 263 with cysteine.
Molecular consequence: missense variant.
Genome position (GRCh38, 1-based): chr20:10,412,728, T>A on the plus strand (A>T on the coding strand, the complement: MKKS is on the minus strand). VCF-style: chr20-10412728-T-A. GRCh37 (hg19) VCF-style: chr20-10393376-T-A.
Other names: c.787A>T, p.Ser263Cys (NM_018848.3); short protein forms S263C.
Identifiers: ClinVar variation 1443979 (VCV001443979.6), dbSNP rs764332400, ClinGen allele CA9763626.
Genomic context (GRCh38, chr20:10,412,728, plus strand): 5'-GCTGCCTTCCTAGGTTAAGCAGCTGGTCCAAGACTGCATTTTCAAGAGAAACCCCATAAC[T>A]GACCACCACAGTTCCTTCTCCAGTGTCAGAAGTGTCTCCGGATAAAGTTGTACAAAAGAG-3'
Protein context (NP_740754.1, residues 253-273): SDTGEGTVVV[Ser263Cys]YGVSLENAVL